The following is an entry in ClinVar:

ClinVar aggregate classification (germline): Uncertain significance (1 of 4 stars; one submission).

Conditions:
Hyperkalemic periodic paralysis. Also called: Gamstorp disease; Familial hyperkalemic periodic paralysis. Identifiers: Orphanet 682, MedGen C0238357, MONDO:0008224, OMIM 170500, HP:0007215.

Submission:

Labcorp Genetics (formerly Invitae), Labcorp
Classification: Uncertain significance for Hyperkalemic periodic paralysis. Last evaluated: 2020-01-21. Review status: criteria provided, single submitter. Criteria: Invitae Variant Classification Sherloc (09022015). Collection method: clinical testing. Allele origin: germline.
Comment: In summary, the available evidence is currently insufficient to determine the role of this variant in disease. Therefore, it has been classified as a Variant of Uncertain Significance. Algorithms developed to predict the effect of missense changes on protein structure and function do not agree on the potential impact of this missense change (SIFT: "Deleterious"; PolyPhen-2: "Probably Damaging"; Align-GVGD: "Class C0"). This variant is not present in population databases (ExAC no frequency). This sequence change replaces isoleucine with phenylalanine at codon 431 of the SCN4A protein (p.Ile431Phe). The isoleucine residue is highly conserved and there is a small physicochemical difference between isoleucine and phenylalanine.

NM_000334.4(SCN4A):c.1291A>T (p.Ile431Phe)

Gene: SCN4A (sodium voltage-gated channel alpha subunit 4; minus strand). Cytogenetic location: 17q23.3.
Variant type: single nucleotide variant.
Coding change: c.1291A>T on transcript NM_000334.4 (MANE Select); coding-DNA position 1291, A replaced by T.
Protein change: p.Ile431Phe; replaces isoleucine 431 with phenylalanine.
Molecular consequence: missense variant.
Genome position (GRCh38, 1-based): chr17:63,964,629, T>A on the plus strand (A>T on the coding strand, the complement: SCN4A is on the minus strand). VCF-style: chr17-63964629-T-A. GRCh37 (hg19) VCF-style: chr17-62041989-T-A.
Other names: short protein forms I431F.
Identifiers: ClinVar variation 543802 (VCV000543802.11), dbSNP rs1555604164, ClinGen allele CA400635107.